The following is an entry in ClinVar:

ClinVar aggregate classification (germline): Likely pathogenic (1 of 4 stars; one submission).

Conditions:
Phenylketonuria (PKU). Also called: Phenylketonurias; FOLLING DISEASE; Phenylketonuria (PKU); OLIGOPHRENIA PHENYLPYRUVICA. Identifiers: Orphanet 716, MedGen C0031485, MONDO:0009861, OMIM 261600. Disease mechanism: loss of function.

Submission:

Myriad Genetics, Inc.
Classification: Likely pathogenic for Phenylketonuria. Last evaluated: 2022-03-17. Review status: criteria provided, single submitter. Criteria: Myriad Women's Health Autosomal Recessive and X-Linked Classification Criteria (2021). Collection method: clinical testing. Allele origin: unknown.
Comment: NM_000277.1(PAH):c.693_694delTC(Q232Ifs*50) is expected to be pathogenic in the context of phenylalanine hydroxylase deficiency. This variant is predicted to lead to an abnormal or absent protein product due to the creation of a premature termination codon in PAH, a gene where loss-of-function variants are known to be pathogenic. Please note: this variant was assessed in the context of healthy population screening.

NM_000277.3(PAH):c.693_694del (p.Gln232fs)

Gene: PAH (phenylalanine hydroxylase; minus strand). Cytogenetic location: 12q23.2.
Variant type: Microsatellite.
Coding change: c.693_694del on transcript NM_000277.3 (MANE Select); coding-DNA positions 693 to 694, 2 bases deleted (TC; older notation c.693_694delTC).
Protein change: p.Gln232fs; shifts the reading frame from glutamine 232.
Molecular consequence: frameshift variant.
Genome position (GRCh38, 1-based): chr12:102,855,148-102,855,149, GA deleted on the plus strand (TC on the coding strand, the reverse complement: PAH is on the minus strand); deleting any 2 consecutive bases within chr12:102,855,148-102,855,151 gives the same sequence; the c. name uses the placement nearest the transcript's 3' end. VCF-style (leftmost placement, unchanged base first): chr12-102855147-TGA-T. GRCh37 (hg19) VCF-style: chr12-103248925-TGA-T.
Other names: c.693_694del, p.Gln232fs (NM_001354304.2); short protein forms Q232fs.
Identifiers: ClinVar variation 1725348 (VCV001725348.2), dbSNP rs2499625821, ClinGen allele CA2580614530.
Genomic context (GRCh38, chr12:102,855,147, plus strand): 5'-AATCCTCCCCCAACTTTCTGCAGGGCCATTGACCCTGATGTGGACTTACTCTGCAGGAAC[TGA>T]GAAACGTCTTCCAGCTGGGGAATGTTATCTTCATGGAAGCCACAGTACTTTTCAAGAAGT-3'